The following is an entry in ClinVar:

ClinVar aggregate classification (germline): Uncertain significance. Review status: criteria provided, multiple submitters, no conflicts (2 of 4 stars). 3 submissions from 3 submitters: Uncertain significance (3). Last evaluated 2024-05-18.

Conditions:
Hereditary cancer-predisposing syndrome. Also called: Hereditary Cancer Syndrome; Hereditary neoplastic syndrome; Neoplastic Syndromes, Hereditary; Tumor predisposition. Identifiers: Orphanet 140162, MedGen C0027672, MeSH D009386, MONDO:0015356.
Multiple endocrine neoplasia type 4. Also called: MULTIPLE ENDOCRINE NEOPLASIA, TYPE IV. Identifiers: Orphanet 276152, MedGen C1970712, MONDO:0012552, OMIM 610755.

Submissions (3):

Ambry Genetics
Classification: Uncertain significance for Hereditary cancer-predisposing syndrome. Last evaluated: 2024-05-18. Review status: criteria provided, single submitter. Criteria: Ambry Variant Classification Scheme 2023. Collection method: clinical testing. Allele origin: germline.
Comment: The c.265_267delTAC variant (also known as p.Y89del) is located in coding exon 1 of the CDKN1B gene. This variant results from an in-frame TAC deletion at nucleotide positions 265 to 267. This results in the in-frame deletion of a tyrosine at codon 89. This amino acid position is not well conserved in available vertebrate species. In addition, the in silico prediction for this alteration is inconclusive (Choi Y et al. PLoS ONE. 2012; 7(10):e46688). Based on the available evidence, the clinical significance of this variant remains unclear.

Labcorp Genetics (formerly Invitae), Labcorp
Classification: Uncertain significance for Multiple endocrine neoplasia type 4. Last evaluated: 2023-05-07. Review status: criteria provided, single submitter. Criteria: Invitae Variant Classification Sherloc (09022015). Collection method: clinical testing. Allele origin: germline.
Comment: This variant, c.265_267del, results in the deletion of 1 amino acid(s) of the CDKN1B protein (p.Tyr89del), but otherwise preserves the integrity of the reading frame. This variant is not present in population databases (gnomAD no frequency). This variant has not been reported in the literature in individuals affected with CDKN1B-related conditions. Experimental studies and prediction algorithms are not available or were not evaluated, and the functional significance of this variant is currently unknown. In summary, the available evidence is currently insufficient to determine the role of this variant in disease. Therefore, it has been classified as a Variant of Uncertain Significance.

Baylor Genetics
Classification: Uncertain significance for Multiple endocrine neoplasia type 4. Last evaluated: 2023-04-30. Review status: criteria provided, single submitter. Criteria: ACMG Guidelines, 2015. Collection method: clinical testing. Allele origin: unknown.

NM_004064.5(CDKN1B):c.262TAC[1] (p.Tyr89del)

Gene: CDKN1B (cyclin dependent kinase inhibitor 1B; plus strand). Cytogenetic location: 12p13.1.
Variant type: Microsatellite.
Coding change: c.262TAC[1] on transcript NM_004064.5 (MANE Select); one copy of the 3-base unit TAC starting at c.262; the reference has two copies in a row; one copy, 3 bases deleted; also written c.265_267del.
Protein change: p.Tyr89del; deletes tyrosine 89.
Molecular consequence: inframe deletion.
Genome position (GRCh38, 1-based): chr12:12,718,104-12,718,106, TAC deleted; deleting any 3 consecutive bases within chr12:12,718,100-12,718,106 gives the same sequence; the position shown is the placement nearest the transcript's 3' end. VCF-style (leftmost placement, unchanged base first): chr12-12718099-TCTA-T. GRCh37 (hg19) VCF-style: chr12-12871033-TCTA-T.
Other names: c.265_267delTAC (NM_004064.3); c.265_267del (NM_004064.5); short protein forms Y89del.
Identifiers: ClinVar variation 2079910 (VCV002079910.6), dbSNP rs1946492719, ClinGen allele CA944840307.